The following is an entry in ClinVar:

ClinVar aggregate classification (germline): Uncertain significance (1 of 4 stars; one submission).

Conditions:
Capillary malformation-arteriovenous malformation syndrome. Also called: Capillary malformation-arteriovenous malformation. Identifiers: Orphanet 137667, MedGen C1842180, MONDO:0012016.

Submission:

Labcorp Genetics (formerly Invitae), Labcorp
Classification: Uncertain significance for Capillary malformation-arteriovenous malformation syndrome. Last evaluated: 2021-10-20. Review status: criteria provided, single submitter. Criteria: Invitae Variant Classification Sherloc (09022015). Collection method: clinical testing. Allele origin: germline.
Comment: This sequence change replaces proline, which is neutral and non-polar, with serine, which is neutral and polar, at codon 213 of the RASA1 protein (p.Pro213Ser). This variant is not present in population databases (gnomAD no frequency). This variant has not been reported in the literature in individuals affected with RASA1-related conditions. Algorithms developed to predict the effect of missense changes on protein structure and function are either unavailable or do not agree on the potential impact of this missense change (SIFT: "Tolerated"; PolyPhen-2: "Possibly Damaging"; Align-GVGD: "Class C0"). Algorithms developed to predict the effect of sequence changes on RNA splicing suggest that this variant may create or strengthen a splice site. In summary, the available evidence is currently insufficient to determine the role of this variant in disease. Therefore, it has been classified as a Variant of Uncertain Significance.

NM_002890.3(RASA1):c.637C>T (p.Pro213Ser)

Genes: CCNH (cyclin H; minus strand), RASA1 (RAS p21 protein activator 1; plus strand). Cytogenetic location: 5q14.3.
Variant type: single nucleotide variant.
Coding change: c.637C>T on transcript NM_002890.3 (MANE Select); coding-DNA position 637, C replaced by T.
Protein change: p.Pro213Ser; replaces proline 213 with serine.
Molecular consequence: missense variant. On other transcripts: intron variant (1).
Genome position (GRCh38, 1-based): chr5:87,331,445, C>T. VCF-style: chr5-87331445-C-T. GRCh37 (hg19) VCF-style: chr5-86627262-C-T.
Other names: c.106C>T, p.Pro36Ser (NM_022650.3); c.934-18650G>A (NM_001364075.2); short protein forms P213S, P36S.
Identifiers: ClinVar variation 1388057 (VCV001388057.7), dbSNP rs2112366190, ClinGen allele CA360375929.